The following is an entry in ClinVar:

ClinVar aggregate classification (germline): Uncertain significance (1 of 4 stars; one submission).

Submission:

Labcorp Genetics (formerly Invitae), Labcorp
Classification: Uncertain significance. Last evaluated: 2025-12-16. Review status: criteria provided, single submitter. Criteria: Invitae Variant Classification Sherloc (09022015). Collection method: clinical testing. Allele origin: germline.
Comment: This sequence change replaces alanine, which is neutral and non-polar, with serine, which is neutral and polar, at codon 200 of the RNF31 protein (p.Ala200Ser). This variant is not present in population databases (gnomAD no frequency). This variant has not been reported in the literature in individuals affected with RNF31-related conditions. ClinVar contains an entry for this variant (Variation ID: 2846359). An algorithm developed to predict the effect of missense changes on protein structure and function (PolyPhen-2) suggests that this variant is likely to be tolerated. In summary, the available evidence is currently insufficient to determine the role of this variant in disease. Therefore, it has been classified as a Variant of Uncertain Significance.

NM_017999.5(RNF31):c.598G>T (p.Ala200Ser)

Gene: RNF31 (ring finger protein 31; plus strand). Cytogenetic location: 14q12.
Variant type: single nucleotide variant.
Coding change: c.598G>T on transcript NM_017999.5 (MANE Select); coding-DNA position 598, G replaced by T.
Protein change: p.Ala200Ser; replaces alanine 200 with serine.
Molecular consequence: missense variant.
Genome position (GRCh38, 1-based): chr14:24,148,843, G>T. VCF-style: chr14-24148843-G-T. GRCh37 (hg19) VCF-style: chr14-24618052-G-T.
Other names: c.145G>T, p.Ala49Ser (NM_001310332.2); short protein forms A200S, A49S.
Identifiers: ClinVar variation 2846359 (VCV002846359.3), dbSNP rs2501993858, ClinGen allele CA389290135.